The following is an entry in ClinVar:

NM_012120.3(CD2AP):c.311T>A (p.Ile104Asn)

Gene: CD2AP (CD2 associated protein; plus strand). Cytogenetic location: 6p12.3.
Variant type: single nucleotide variant.
Coding change: c.311T>A on transcript NM_012120.3 (MANE Select); coding-DNA position 311, T replaced by A.
Protein change: p.Ile104Asn; replaces isoleucine 104 with asparagine.
Molecular consequence: missense variant.
Genome position (GRCh38, 1-based): chr6:47,533,747, T>A. VCF-style: chr6-47533747-T-A. GRCh37 (hg19) VCF-style: chr6-47501483-T-A.
Other names: short protein forms I104N.
Identifiers: ClinVar variation 1472885 (VCV001472885.11), dbSNP rs149246024, ClinGen allele CA3843944.

ClinVar aggregate classification (germline): Uncertain significance. Review status: criteria provided, multiple submitters, no conflicts (2 of 4 stars). 3 submissions from 3 submitters: Uncertain significance (3). Last evaluated 2025-11-19.

Conditions:
Focal segmental glomerulosclerosis 3, susceptibility to (FSGS3). Identifiers: Orphanet 656, MedGen C1842982, MONDO:0011917, OMIM 607832.

Allele frequency attached by ClinVar (database versions not stated): ExAC 0.00003; gnomAD 0.00003 and 0.00004; gnomAD exomes 0.00004; TOPMed 0.00006; ESP Exome Variant Server 0.00015.
gnomAD v4.1: 97 of 1,613,724 alleles (0.006%); highest among the groups gnomAD compares: Non-Finnish European, 0.0077%; no homozygotes.

Submissions (3):

Labcorp Genetics (formerly Invitae), Labcorp
Classification: Uncertain significance. Last evaluated: 2025-11-19. Review status: criteria provided, single submitter. Criteria: Invitae Variant Classification Sherloc (09022015). Collection method: clinical testing. Allele origin: germline.
Comment: This sequence change replaces isoleucine, which is neutral and non-polar, with asparagine, which is neutral and polar, at codon 104 of the CD2AP protein (p.Ile104Asn). This variant is present in population databases (rs149246024, gnomAD 0.007%). This variant has not been reported in the literature in individuals affected with CD2AP-related conditions. ClinVar contains an entry for this variant (Variation ID: 1472885). Invitae Evidence Modeling of protein sequence and biophysical properties (such as structural, functional, and spatial information, amino acid conservation, physicochemical variation, residue mobility, and thermodynamic stability) indicates that this missense variant is not expected to disrupt CD2AP protein function with a negative predictive value of 80%. In summary, the available evidence is currently insufficient to determine the role of this variant in disease. Therefore, it has been classified as a Variant of Uncertain Significance.

Blueprint Genetics
Classification: Uncertain significance. Last evaluated: 2024-02-07. Review status: criteria provided, single submitter. Criteria: ACMG Guidelines, 2015. Collection method: clinical testing. Allele origin: germline.

Fulgent Genetics
Classification: Uncertain significance for Focal segmental glomerulosclerosis 3, susceptibility to. Last evaluated: 2024-02-06. Review status: criteria provided, single submitter. Criteria: ACMG Guidelines, 2015. Collection method: clinical testing. Allele origin: germline.